The following is an entry in ClinVar:

NM_000492.4(CFTR):c.4375A>C (p.Lys1459Gln)

Genes: CFTR (CF transmembrane conductance regulator; plus strand), LOC111674477 (CFTR intron 23 enhancer; plus strand). Cytogenetic location: 7q31.2.
Variant type: single nucleotide variant.
Coding change: c.4375A>C on transcript NM_000492.4 (MANE Select); coding-DNA position 4375, A replaced by C.
Protein change: p.Lys1459Gln; replaces lysine 1459 with glutamine.
Molecular consequence: missense variant.
Genome position (GRCh38, 1-based): chr7:117,667,040, A>C. VCF-style: chr7-117667040-A-C. GRCh37 (hg19) VCF-style: chr7-117307094-A-C.
Other names: short protein forms K1459Q.
Identifiers: ClinVar variation 4827543 (VCV004827543.1).
Genomic context (GRCh38, chr7:117,667,040, plus strand): 5'-CAAGCCATCAGCCCCTCCGACAGGGTGAAGCTCTTTCCCCACCGGAACTCAAGCAAGTGC[A>C]AGTCTAAGCCCCAGATTGCTGCTCTGAAAGAGGAGACAGAAGAAGAGGTGCAAGATACAA-3'
Protein context (NP_000483.3, residues 1449-1469): LFPHRNSSKC[Lys1459Gln]SKPQIAALKE

ClinVar aggregate classification (germline): Uncertain significance (1 of 4 stars; one submission).

Conditions:
Cystic fibrosis (CF). Also called: MUCOVISCIDOSIS. Identifiers: Orphanet 586, MedGen C0010674, MONDO:0009061, OMIM 219700. Disease mechanism: loss of function.

Submission:

Ambry Genetics
Classification: Uncertain significance for Cystic fibrosis. Last evaluated: 2026-03-13. Review status: criteria provided, single submitter. Criteria: Ambry Variant Classification Scheme 2023. Collection method: clinical testing. Allele origin: germline.
Comment: The p.K1459Q variant (also known as c.4375A>C), located in coding exon 27 of the CFTR gene, results from an A to C substitution at nucleotide position 4375. The lysine at codon 1459 is replaced by glutamine, an amino acid with similar properties. This amino acid position is conserved. In addition, this alteration is predicted to be tolerated by in silico analysis. Based on the available evidence, the clinical significance of this variant remains unclear.